The following is an entry in ClinVar:

NM_152564.5(VPS13B):c.4950-7C>G

Gene: VPS13B (vacuolar protein sorting 13 homolog B; plus strand). Cytogenetic location: 8q22.2.
Variant type: single nucleotide variant.
Coding change: c.4950-7C>G on transcript NM_152564.5 (MANE Select); 7 bases into the intron before coding-DNA position 4950, C replaced by G.
Molecular consequence: intron variant.
Genome position (GRCh38, 1-based): chr8:99,575,651, C>G. VCF-style: chr8-99575651-C-G. GRCh37 (hg19) VCF-style: chr8-100587879-C-G.
Other names: c.5025-7C>G (NM_017890.5).
Identifiers: ClinVar variation 3349538 (VCV003349538.1).

ClinVar aggregate classification (germline): Uncertain significance (0 of 4 stars; one submission).

Conditions:
VPS13B-related disorder. Also called: VPS13B-related condition.

Submission:

PreventionGenetics, part of Exact Sciences
Classification: Uncertain significance for VPS13B-related condition. Last evaluated: 2023-11-06. Review status: no assertion criteria provided. Collection method: clinical testing. Allele origin: germline.
Comment: The VPS13B c.4950-7C>G variant is predicted to interfere with splicing. To our knowledge, this variant has not been reported in the literature or in a large population database, indicating this variant is rare. At this time, the clinical significance of this variant is uncertain due to the absence of conclusive functional and genetic evidence.